The following is an entry in ClinVar:

ClinVar aggregate classification (germline): Uncertain significance (1 of 4 stars; one submission).

Submission:

Ambry Genetics
Classification: Uncertain significance. Last evaluated: 2024-03-12. Review status: criteria provided, single submitter. Criteria: Ambry Variant Classification Scheme 2023. Collection method: clinical testing. Allele origin: germline.
Comment: The p.P331S variant (also known as c.991C>T), located in coding exon 3 of the EGLN2 gene, results from a C to T substitution at nucleotide position 991. The proline at codon 331 is replaced by serine, an amino acid with similar properties. This amino acid position is conserved. In addition, the in silico prediction for this alteration is inconclusive. Based on the available evidence, the clinical significance of this alteration remains unclear.

NM_080732.4(EGLN2):c.991C>T (p.Pro331Ser)

Genes: EGLN2 (egl-9 family hypoxia inducible factor 2; plus strand), RAB4B-EGLN2 (RAB4B-EGLN2 readthrough (NMD candidate); plus strand). Cytogenetic location: 19q13.2.
Variant type: single nucleotide variant.
Coding change: c.991C>T on transcript NM_080732.4 (MANE Select); coding-DNA position 991, C replaced by T.
Protein change: p.Pro331Ser; replaces proline 331 with serine.
Molecular consequence: missense variant. On other transcripts: non-coding transcript variant (1).
Genome position (GRCh38, 1-based): chr19:40,807,165, C>T. VCF-style: chr19-40807165-C-T. GRCh37 (hg19) VCF-style: chr19-41313070-C-T.
Other names: c.991C>T, p.Pro331Ser (NM_053046.4); short protein forms P331S.
Identifiers: ClinVar variation 3229027 (VCV003229027.1), dbSNP rs2516008649, ClinGen allele CA405956442.
Genomic context (GRCh38, chr19:40,807,165, plus strand): 5'-ACCAGCTAGCCTCATCCTTTGGCCTGCCCCCAGGTGCATGGCGGCCTGCTGCAGATCTTC[C>T]CTGAGGGCCGGCCCGTGGTAGCCAACATCGAGCCACTCTTTGACCGGTTGCTCATTTTCT-3'
Protein context (NP_542770.2, residues 321-341): KVHGGLLQIF[Pro331Ser]EGRPVVANIE